The following is an entry in ClinVar:

NM_212482.4(FN1):c.4069G>A (p.Ala1357Thr)

Gene: FN1 (fibronectin 1; minus strand). Cytogenetic location: 2q35.
Variant type: single nucleotide variant.
Coding change: c.4069G>A on transcript NM_212482.4 (MANE Select); coding-DNA position 4069, G replaced by A.
Protein change: p.Ala1357Thr; replaces alanine 1357 with threonine.
Molecular consequence: missense variant. On other transcripts: intron variant (10).
Genome position (GRCh38, 1-based): chr2:215,392,931, C>T on the plus strand (G>A on the coding strand, the complement: FN1 is on the minus strand). VCF-style: chr2-215392931-C-T. GRCh37 (hg19) VCF-style: chr2-216257654-C-T.
Other names: c.4069G>A, p.Ala1357Thr (NM_001306129.2, NM_001306130.2, NM_001365517.2 and 3 more transcripts); c.3797-1117G>A (NM_212474.3, NM_001306132.2, NM_001365523.2 and 7 more transcripts); short protein forms A1357T.
Identifiers: ClinVar variation 3728578 (VCV003728578.2).

ClinVar aggregate classification (germline): Uncertain significance (1 of 4 stars; one submission).

Submission:

Labcorp Genetics (formerly Invitae), Labcorp
Classification: Uncertain significance. Last evaluated: 2025-01-11. Review status: criteria provided, single submitter. Criteria: Invitae Variant Classification Sherloc (09022015). Collection method: clinical testing. Allele origin: germline.
Comment: This sequence change replaces alanine, which is neutral and non-polar, with threonine, which is neutral and polar, at codon 1357 of the FN1 protein (p.Ala1357Thr). This variant also falls at the last nucleotide of exon 25, which is part of the consensus splice site for this exon. This variant is not present in population databases (gnomAD no frequency). This variant has not been reported in the literature in individuals affected with FN1-related conditions. An algorithm developed to predict the effect of missense changes on protein structure and function (PolyPhen-2) suggests that this variant is likely to be disruptive. Variants that disrupt the consensus splice site are a relatively common cause of aberrant splicing (PMID: 17576681, 9536098). Algorithms developed to predict the effect of sequence changes on RNA splicing suggest that this variant may disrupt the consensus splice site. In summary, the available evidence is currently insufficient to determine the role of this variant in disease. Therefore, it has been classified as a Variant of Uncertain Significance.

Literature cited by the submitters: PubMed 17576681; PubMed 9536098.